The following is an entry in ClinVar:

NM_019892.6(INPP5E):c.1652C>T (p.Thr551Met)

Gene: INPP5E (inositol polyphosphate-5-phosphatase E; minus strand). Cytogenetic location: 9q34.3.
Variant type: single nucleotide variant.
Coding change: c.1652C>T on transcript NM_019892.6 (MANE Select); coding-DNA position 1652, C replaced by T.
Protein change: p.Thr551Met; replaces threonine 551 with methionine.
Molecular consequence: missense variant.
Genome position (GRCh38, 1-based): chr9:136,431,015, G>A on the plus strand (C>T on the coding strand, the complement: INPP5E is on the minus strand). VCF-style: chr9-136431015-G-A. GRCh37 (hg19) VCF-style: chr9-139325467-G-A.
Other names: c.1649C>T, p.Thr550Met (NM_001318502.2); c.1652C>T (NM_019892.5); short protein forms T551M, T550M.
Identifiers: ClinVar variation 373633 (VCV000373633.10), dbSNP rs75342839, ClinGen allele CA5336705.

ClinVar aggregate classification (germline): Uncertain significance. Review status: criteria provided, multiple submitters, no conflicts (2 of 4 stars). 4 submissions from 4 submitters: Uncertain significance (4). Last evaluated 2026-05-03.

Conditions:
INPP5E-related disorder. Also called: INPP5E-related condition.
Joubert syndrome. Also called: Familial aplasia of the vermis; JOUBERT-BOLTSHAUSER SYNDROME. Identifiers: Orphanet 475, MedGen C5979921, MONDO:0018772.

Allele frequency attached by ClinVar (database versions not stated): gnomAD 0.00007 and 0.00008; gnomAD exomes 0.00007 and 0.00008; TOPMed 0.00007; ExAC 0.00008; 1000 Genomes Project 30x 0.00031; 1000 Genomes Project 0.00040.

Submissions (4):

PreventionGenetics, part of Exact Sciences
Classification: Uncertain significance for INPP5E-related condition. Last evaluated: 2026-05-03. Review status: criteria provided, single submitter. Criteria: ACMG Guidelines, 2015. Collection method: clinical testing. Allele origin: germline.
Comment: The INPP5E c.1652C>T variant is predicted to result in the amino acid substitution p.Thr551Met. To our knowledge, this variant has not been reported in the literature. This variant is reported in 0.060% of alleles in individuals of East Asian descent in gnomAD. Although we suspect that this variant could be benign, at this time, the clinical significance of this variant is uncertain due to the absence of conclusive functional and genetic evidence.

Labcorp Genetics (formerly Invitae), Labcorp
Classification: Uncertain significance for Joubert syndrome. Last evaluated: 2024-09-06. Review status: criteria provided, single submitter. Criteria: Invitae Variant Classification Sherloc (09022015). Collection method: clinical testing. Allele origin: germline.
Comment: This sequence change replaces threonine, which is neutral and polar, with methionine, which is neutral and non-polar, at codon 551 of the INPP5E protein (p.Thr551Met). This variant is present in population databases (rs75342839, gnomAD 0.06%). This variant has not been reported in the literature in individuals affected with INPP5E-related conditions. ClinVar contains an entry for this variant (Variation ID: 373633). Invitae Evidence Modeling of protein sequence and biophysical properties (such as structural, functional, and spatial information, amino acid conservation, physicochemical variation, residue mobility, and thermodynamic stability) indicates that this missense variant is expected to disrupt INPP5E protein function with a positive predictive value of 95%. In summary, the available evidence is currently insufficient to determine the role of this variant in disease. Therefore, it has been classified as a Variant of Uncertain Significance.

Blueprint Genetics
Classification: Uncertain significance. Last evaluated: 2024-02-16. Review status: criteria provided, single submitter. Criteria: ACMG Guidelines, 2015. Collection method: clinical testing. Allele origin: germline.

GeneDx
Classification: Uncertain significance. Last evaluated: 2016-12-01. Review status: criteria provided, single submitter. Criteria: GeneDx Variant Classification (06012015). Collection method: clinical testing. Allele origin: germline. Affected: yes.
Comment: A variant of uncertain significance has been identified in the INPP5E gene. The T551M variant has not been published as a pathogenic variant, nor has it been reported as a benign variant to our knowledge. It is not observed at a significant frequency in large population cohorts (Lek et al., 2016; 1000 Genomes Consortium et al., 2015; Exome Variant Server). The T551M variant is a non-conservative amino acid substitution, which is likely to impact secondary protein structure as these residues differ in polarity, charge, size and/or other properties. This substitution occurs at a position that is conserved across species, and in silico analysis predicts this variant is probably damaging to the protein structure/function. Based on the currently available information, it is unclear whether this variant is a pathogenic variant or a rare benign variant.